The following is an entry in ClinVar:

ClinVar aggregate classification (germline): Uncertain significance. Review status: criteria provided, multiple submitters, no conflicts (2 of 4 stars). 2 submissions from 2 submitters: Uncertain significance (2). Last evaluated 2025-11-13.

Conditions:
Rare.

gnomAD v4.1: 43 of 1,609,560 alleles (0.0027%); highest among the groups gnomAD compares: South Asian, 0.0077%; no homozygotes.

Submissions (2):

Ambry Genetics
Classification: Uncertain significance. Last evaluated: 2025-11-13. Review status: criteria provided, single submitter. Criteria: Ambry Variant Classification Scheme 2023. Collection method: clinical testing. Allele origin: germline.

Broad Center for Mendelian Genomics, Broad Institute of MIT and Harvard
Classification: Uncertain significance for Rare. Last evaluated: 2024-11-22. Review status: criteria provided, single submitter. Criteria: ACMG Guidelines, 2015. Collection method: curation. Allele origin: germline. Inheritance: Autosomal dominant inheritance. Study: GREGoR Consortium.
Comment: The heterozygous p.Arg111Trp variant in TBC1D22A was identified by our study in 4 family members with short stature. While this gene is still lacking sufficient evidence to establish a gene-disease relationship, we believe this is a possible novel gene candidate for short stature. Given the limited information about this gene-disease relationship, the significance of the p.Arg111Trp variant is uncertain. If you have any additional information about functional evidence or other individuals with this phenotype that also have variants in TBC1D22A we encourage you to reach out to us.

NM_014346.5(TBC1D22A):c.331C>T (p.Arg111Trp)

Gene: TBC1D22A (TBC1 domain family member 22A; plus strand). Cytogenetic location: 22q13.31.
Variant type: single nucleotide variant.
Coding change: c.331C>T on transcript NM_014346.5 (MANE Select); coding-DNA position 331, C replaced by T.
Protein change: p.Arg111Trp; replaces arginine 111 with tryptophan.
Molecular consequence: missense variant. On other transcripts: non-coding transcript variant (1).
Genome position (GRCh38, 1-based): chr22:46,793,712, C>T. VCF-style: chr22-46793712-C-T. GRCh37 (hg19) VCF-style: chr22-47189609-C-T.
Other names: NM_001284305.2:c.190C>T; c.331C>T (NM_014346.2); c.274C>T, p.Arg92Trp (NM_001284303.2); c.241C>T, p.Arg81Trp (NM_001284304.2); c.190C>T, p.Arg64Trp (NM_001284305.2); c.331C>T, p.Arg111Trp (NM_001410803.1); short protein forms R111W, R64W, R81W, R92W.
Identifiers: ClinVar variation 3385358 (VCV003385358.2).